The following continues an entry in ClinVar:

NM_000169.3(GLA):c.1088G>A (p.Arg363His)

ClinVar aggregate classification (germline): Pathogenic/Likely pathogenic. Pathogenic (15); Likely pathogenic (3).

Submissions 9 to 20 of 20:

Blueprint Genetics
Classification: Pathogenic for GLA-related disorders. Last evaluated: 2024-09-04. Review status: criteria provided, single submitter. Criteria: ACMG Guidelines, 2015. Collection method: clinical testing. Allele origin: germline. Affected: yes. Observed: 4 variant alleles.

Color Diagnostics, LLC DBA Color Health
Classification: Pathogenic for Fabry disease. Last evaluated: 2024-07-26. Review status: criteria provided, single submitter. Criteria: ACMG Guidelines, 2015. Collection method: clinical testing. Allele origin: germline.
Comment: This missense variant replaces arginine with histidine at codon 363 of the GLA protein. Functional studies have shown the mutant protein to exhibit significantly reduced GLA enzyme activity in vitro, with a greater than 70% decrease compared to wild type (PMID: 21598360, 23935525). This variant has been reported in four individuals affected with classic Fabry disease and in more than 10 individuals affected with late-onset or non-classical Fabry disease (PMID: 11668641, 12175777, 21420783, 26937405, 28360401, 30477121, 33022387, 33163363, 33204599, 33437642, 34545322, 36624527). In all tested carrier individuals, decreased leukocyte GLA enzyme activities and increased plasma biomarker globotriaosylsphingosine (lyso-Gb3) levels were observed (PMID: 19387866, 21420783, 28302345, 33022387, 34199132). This variant has been identified in 10/183364 chromosomes in the general population by the Genome Aggregation Database (gnomAD). A different missense variant affecting the same codon, p.Arg363Cys, is considered to be disease-causing (ClinVar variation ID: 198401), suggesting that arginine at this position is important for GLA protein function. Based on the available evidence, this variant is classified as Pathogenic.

Mendelics
Classification: Pathogenic for Fabry disease. Last evaluated: 2022-05-04. Review status: criteria provided, single submitter. Criteria: Mendelics Assertion Criteria 2019. Collection method: clinical testing. Allele origin: germline.

Genome-Nilou Lab
Classification: Pathogenic for Fabry disease. Last evaluated: 2021-07-15. Review status: criteria provided, single submitter. Criteria: ACMG Guidelines, 2015. Collection method: clinical testing. Allele origin: germline. Affected: no.

Broad Center for Mendelian Genomics, Broad Institute of MIT and Harvard
Classification: Likely pathogenic for Fabry disease. Last evaluated: 2020-01-22. Review status: criteria provided, single submitter. Criteria: ACMG Guidelines, 2015. Collection method: curation. Allele origin: germline. Inheritance: X-linked inheritance.
Comment: The p.Arg363His variant in GLA has been reported in at least eight individuals with Fabry disease (PMID: 30477121, 21420783, 11668641, 12175777, 23935525, 28360401, 28302345), segregated with disease in three affected relatives from one family (PMID: 26937405), and has been identified in 0.03% (5/19142) of South Asian chromosomes, including 3 hemizygotes, by the Genome Aggregation Database (gnomAD; dbSNP rs111422676). Please note that for diseases with clinical variability, or reduced penetrance, pathogenic variants may be present at a low frequency in the general population. Additionally, this variant has a high prevalence in late-onset cases, which may account for the frequency in gnomAD. This variant has also been reported in ClinVar as Pathogenic by EGL Genetic Diagnostics and Integrated Genetics (Variation ID: 222141). In vitro functional studies provide some evidence that the p.Arg363His variant may slightly impact protein function (PMID: 21598360, 23935525, 19387866). However, these types of assays may not accurately represent biological function. Computational prediction tools and conservation analyses do not provide strong support for or against an impact to the protein. The phenotype of individuals hemizygous for this variant is highly specific for Fabry disease based on enzymatic diagnosis consistent with disease (PMID: 30477121, 21420783, 11668641, 12175777, 23935525, 28360401, 28302345). In summary, although additional studies are required to fully establish its clinical significance, this variant is likely pathogenic despite the higher than expected allele frequency in the general population. ACMG/AMP Criteria applied: BS1_supporting, PP1_moderate, PP4, PS3_supporting, PS4_moderate (Richards 2015).

X-linked inheritance (primarily recessive with milder female expression)

Fulgent Genetics
Classification: Pathogenic for Fabry disease. Last evaluated: 2018-10-31. Review status: criteria provided, single submitter. Criteria: ACMG Guidelines, 2015. Collection method: clinical testing. Allele origin: unknown.

HudsonAlpha Institute for Biotechnology
Classification: Pathogenic for Fabry disease. Last evaluated: 2018-10-10. Review status: criteria provided, single submitter. Criteria: ACMG Guidelines, 2015. Collection method: research. Allele origin: unknown. Observed: 1 variant allele. Study: AGHI_GT.

Eurofins Ntd Llc (ga)
Classification: Pathogenic. Last evaluated: 2018-05-01. Review status: criteria provided, single submitter. Criteria: EGL ClinVar v180209 classification definitions. Collection method: clinical testing. Allele origin: germline. Observed: 9 variant alleles, 6 heterozygotes, 3 hemizygotes.

Women's Health and Genetics/Laboratory Corporation of America, LabCorp
Classification: Pathogenic for Fabry disease. Last evaluated: 2017-07-05. Review status: criteria provided, single submitter. Criteria: LabCorp Variant Classification Summary - May 2015. Collection method: clinical testing. Allele origin: germline.
Comment: Variant summary: The GLA c.1088G>A (p.Arg363His) variant involves the alteration of a non-conserved nucleotide. 2/5 in silico tools predict a damaging outcome for this variant. This variant was found in 3/88023 control chromosomes (3 hemizygotes) at a frequency of 0.0000341, which does not exceed the estimated maximal expected allele frequency of a pathogenic GLA variant (0.005). This variant has been reported in multiple patients with classic or late-onset Fabry disease. In vitro enyzme activity assay showed this variant led to moderate decrease of enzyme activity. Multiple clinical diagnostic laboratories/reputable databases classified this variant as pathogenic. In addition, p.R363C and p.R363P have been reported to associate with Fabry disease, suggesting R363 is critical for GLA function. Taken together, this variant is classified as pathogenic.

Neuberg Centre For Genomic Medicine, NCGM
Classification: Pathogenic for Fabry disease. Review status: criteria provided, single submitter. Criteria: ACMG Guidelines, 2015. Collection method: clinical testing. Allele origin: germline. Inheritance: X-linked inheritance. Affected: yes. Observed: 1 hemizygote.
Comment: The missense variant p.R363H in GLA (NM_000169.2) has been reported previously in affected individuals with late onset Fabry disease (Blaydon et al 2001; Serebrinsky et al, 2015). In vitro enzyme studies depict a moderate effect on enzyme activity which leads to an attenuated/atypical/late-onset phenotype (Lukas et al, 2013; Riera et al, 2015). I t has been classified as a Pathogenic for the late onset phenotype by the Fabry disease working group (Germain et al,2 020). It has been submitted to ClinVar with conflicting interpretations including VUS/Likely Pathogenic and Pathogenic. It is present in 6 hemizygous males in the gnomAD database. However presence of clinical variability ranging from single organ involvement to ascertainment via family screening could account for the presence of these hemizygous males within the gnomAD database. There is a small physicochemical difference between arginine and histidine, which is not likely to impact secondary protein structure as these residues share similar properties. In silico tools predict the variant to be tolerated and the residue is weakly conserved across species. For these reasons, this variant has been classified as Pathogenic

Gharavi Laboratory, Columbia University
Classification: Uncertain significance. Last evaluated: 2018-09-16. Review status: flagged submission. Criteria: ACMG Guidelines, 2015. Collection method: research. Allele origin: germline. Affected: no. Not counted in ClinVar's aggregate classification.
ClinVar note: Reason: Outlier claim with insufficient supporting evidence

Kasturba Medical College, Manipal, Kasturba Medical College, Manipal, Manipal Academy of Higher Education, Manipal, India
Classification: Uncertain significance for Fabry disease. Review status: flagged submission. Criteria: ACMG Guidelines, 2015. Collection method: clinical testing. Allele origin: inherited. Inheritance: Autosomal recessive inheritance. Affected: yes. Not counted in ClinVar's aggregate classification.
ClinVar note: Reason: Outlier claim with insufficient supporting evidence

Literature cited by the submitters: PubMed 21420783 (cited by 4 submitters); PubMed 21598360 (cited by 8 submitters); PubMed 26415523 (cited by Ambry Genetics); PubMed 26937405 (cited by 10 submitters); PubMed 32161151 (cited by 3 submitters); PubMed 33022387 (cited by 3 submitters); PubMed 33527381 (cited by Ambry Genetics and Genomenon, Inc); PubMed 39092329 (cited by Ambry Genetics and Genomenon, Inc); PubMed 20716442 (cited by Genomenon, Inc); PubMed 38248631 (cited by Genomenon, Inc); PubMed 17224688 (cited by Genomenon, Inc and Natera, Inc.); PubMed 31996269 (cited by Genomenon, Inc and Natera, Inc.); PubMed 31392112 (cited by Genomenon, Inc and Natera, Inc.); PubMed 32418857 (cited by Genomenon, Inc); PubMed 28360401 (cited by 5 submitters); PubMed 37626912 (cited by Genomenon, Inc); PubMed 32023956 (cited by Genomenon, Inc); PubMed 25409744 (cited by Genomenon, Inc); PubMed 33915609 (cited by Genomenon, Inc); PubMed 11668641 (cited by 6 submitters); PubMed 12175777 (cited by 6 submitters); PubMed 28302345 (cited by 7 submitters); PubMed 19387866 (cited by 4 submitters); PubMed 25835592 (cited by Labcorp Genetics (formerly Invitae), Labcorp); PubMed 11251615 (cited by Natera, Inc.); PubMed 25149322 (cited by Natera, Inc.); PubMed 29143201 (cited by Natera, Inc.); PubMed 30972193 (cited by Natera, Inc.); PubMed 33204599 (cited by Natera, Inc. and Color Diagnostics, LLC DBA Color Health); PubMed 34401344 (cited by Natera, Inc.); PubMed 30477121 (cited by 3 submitters); PubMed 33163363 (cited by 3 submitters); PubMed 34545322 (cited by 3 submitters); PubMed 33437642 (cited by 3 submitters); PubMed 23935525 (cited by 5 submitters); PubMed 36624527 (cited by 3 submitters); PubMed 34199132 (cited by Color Diagnostics, LLC DBA Color Health); PubMed 25382311 (cited by Women's Health and Genetics/Laboratory Corporation of America, LabCorp and Neuberg Centre For Genomic Medicine, NCGM); PubMed 28877708 (cited by Neuberg Centre For Genomic Medicine, NCGM).